The following is an entry in ClinVar:

NM_000539.3(RHO):c.444C>T (p.Phe148=)

Gene: RHO (rhodopsin; plus strand). Cytogenetic location: 3q22.1.
Variant type: single nucleotide variant.
Coding change: c.444C>T on transcript NM_000539.3 (MANE Select); coding-DNA position 444, C replaced by T.
Protein change: p.Phe148=; no amino-acid change (phenylalanine 148 retained).
Molecular consequence: synonymous variant.
Genome position (GRCh38, 1-based): chr3:129,530,958, C>T. VCF-style: chr3-129530958-C-T. GRCh37 (hg19) VCF-style: chr3-129249801-C-T.
Identifiers: ClinVar variation 546945 (VCV000546945.52), dbSNP rs139502149, ClinGen allele CA2607159.

ClinVar aggregate classification (germline): Likely benign. Review status: criteria provided, multiple submitters, no conflicts (2 of 4 stars). 3 submissions from 3 submitters: Likely benign (3). Last evaluated 2026-01-18.

Allele frequency attached by ClinVar (database versions not stated): ESP Exome Variant Server 0.00008; ExAC 0.00016; gnomAD exomes 0.00019; gnomAD 0.00029 and 0.00031; TOPMed 0.00029.

Submissions (3):

Labcorp Genetics (formerly Invitae), Labcorp
Classification: Likely benign. Last evaluated: 2026-01-18. Review status: criteria provided, single submitter. Criteria: Invitae Variant Classification Sherloc (09022015). Collection method: clinical testing. Allele origin: germline.

Blueprint Genetics
Classification: Likely benign. Last evaluated: 2024-09-19. Review status: criteria provided, single submitter. Criteria: ACMG Guidelines, 2015. Collection method: clinical testing. Allele origin: germline.

CeGaT Center for Human Genetics Tuebingen
Classification: Likely benign. Last evaluated: 2023-07-01. Review status: criteria provided, single submitter. Criteria: CeGaT Center For Human Genetics Tuebingen Variant Classification Criteria Version 2. Collection method: clinical testing. Allele origin: germline. Affected: yes. Observed: 2 variant alleles.
Comment: RHO: BP4, BP7